The following is an entry in ClinVar:

ClinVar aggregate classification (germline): Uncertain significance (1 of 4 stars; one submission).

Submission:

CeGaT Center for Human Genetics Tuebingen
Classification: Uncertain significance. Last evaluated: 2025-02-01. Review status: criteria provided, single submitter. Criteria: CeGaT Center For Human Genetics Tuebingen Variant Classification Criteria Version 2. Collection method: clinical testing. Allele origin: germline. Affected: yes. Observed: 1 variant allele.
Comment: NR2F2: PM2, PP2, PP3

NM_021005.4(NR2F2):c.559C>T (p.Arg187Cys)

Gene: NR2F2 (nuclear receptor subfamily 2 group F member 2; plus strand). Cytogenetic location: 15q26.2.
Variant type: single nucleotide variant.
Coding change: c.559C>T on transcript NM_021005.4 (MANE Select); coding-DNA position 559, C replaced by T.
Protein change: p.Arg187Cys; replaces arginine 187 with cysteine.
Molecular consequence: missense variant.
Genome position (GRCh38, 1-based): chr15:96,334,192, C>T. VCF-style: chr15-96334192-C-T. GRCh37 (hg19) VCF-style: chr15-96877421-C-T.
Other names: c.160C>T, p.Arg54Cys (NM_001145155.2); c.100C>T, p.Arg34Cys (NM_001145156.1, NM_001145157.2); short protein forms R187C, R34C, R54C.
Identifiers: ClinVar variation 3778379 (VCV003778379.7).